The following is an entry in ClinVar:

ClinVar aggregate classification (germline): Uncertain significance. Review status: criteria provided, multiple submitters, no conflicts (2 of 4 stars). 2 submissions from 2 submitters: Uncertain significance (2). Last evaluated 2023-07-08.

Conditions:
Hereditary cancer-predisposing syndrome. Also called: Hereditary Cancer Syndrome; Neoplastic Syndromes, Hereditary; Tumor predisposition; Hereditary neoplastic syndrome. Identifiers: Orphanet 140162, MedGen C0027672, MeSH D009386, MONDO:0015356.
Familial adenomatous polyposis 1 (FAP1). Also called: FAMILIAL ADENOMATOUS POLYPOSIS 1, ATTENUATED; POLYPOSIS, ADENOMATOUS INTESTINAL. Identifiers: MedGen C2713442, MONDO:0021056, OMIM 175100. Disease mechanism: loss of function.

Submissions (2):

Labcorp Genetics (formerly Invitae), Labcorp
Classification: Uncertain significance for Familial adenomatous polyposis 1. Last evaluated: 2023-07-08. Review status: criteria provided, single submitter. Criteria: Invitae Variant Classification Sherloc (09022015). Collection method: clinical testing. Allele origin: germline.
Comment: In summary, the available evidence is currently insufficient to determine the role of this variant in disease. Therefore, it has been classified as a Variant of Uncertain Significance. Advanced modeling of protein sequence and biophysical properties (such as structural, functional, and spatial information, amino acid conservation, physicochemical variation, residue mobility, and thermodynamic stability) performed at Invitae indicates that this missense variant is not expected to disrupt APC protein function. ClinVar contains an entry for this variant (Variation ID: 1744004). This variant has not been reported in the literature in individuals affected with APC-related conditions. This variant is not present in population databases (gnomAD no frequency). This sequence change replaces glycine, which is neutral and non-polar, with glutamic acid, which is acidic and polar, at codon 1635 of the APC protein (p.Gly1635Glu).

Ambry Genetics
Classification: Uncertain significance for Hereditary cancer-predisposing syndrome. Last evaluated: 2021-03-02. Review status: criteria provided, single submitter. Criteria: Ambry Variant Classification Scheme 2023. Collection method: clinical testing. Allele origin: germline.
Comment: The p.G1635E variant (also known as c.4904G>A), located in coding exon 15 of the APC gene, results from a G to A substitution at nucleotide position 4904. The glycine at codon 1635 is replaced by glutamic acid, an amino acid with similar properties. This amino acid position is highly conserved in available vertebrate species. In addition, in silico predictors for this gene do not accurately predict pathogenicity. Since supporting evidence is limited at this time, the clinical significance of this alteration remains unclear.

NM_000038.6(APC):c.4904G>A (p.Gly1635Glu)

Gene: APC (APC regulator of Wnt signaling pathway; plus strand). Cytogenetic location: 5q22.2.
Variant type: single nucleotide variant.
Coding change: c.4904G>A on transcript NM_000038.6 (MANE Select); coding-DNA position 4904, G replaced by A.
Protein change: p.Gly1635Glu; replaces glycine 1635 with glutamic acid.
Molecular consequence: missense variant.
Genome position (GRCh38, 1-based): chr5:112,840,498, G>A. VCF-style: chr5-112840498-G-A. GRCh37 (hg19) VCF-style: chr5-112176195-G-A.
Other names: c.4904G>A, p.Gly1635Glu (NM_001127510.3, NM_001354895.2, NM_001407450.1); c.4850G>A, p.Gly1617Glu (NM_001127511.3); c.4958G>A, p.Gly1653Glu (NM_001354896.2, NM_001407447.1, NM_001407448.1 and 1 more transcripts); c.4934G>A, p.Gly1645Glu (NM_001354897.2); c.4829G>A, p.Gly1610Glu (NM_001354898.2); c.4820G>A, p.Gly1607Glu (NM_001354899.2); c.4781G>A, p.Gly1594Glu (NM_001354900.2); c.4727G>A, p.Gly1576Glu (NM_001354901.2, NM_001407453.1); and 11 more; short protein forms G1506E, G1628E, G1645E, G1475E, G1544E, G1625E, G1635E, G1251E.
Identifiers: ClinVar variation 1744004 (VCV001744004.5), dbSNP rs1169982962, ClinGen allele CA16032075.